The following is an entry in ClinVar:

ClinVar aggregate classification (germline): Uncertain significance (1 of 4 stars; one submission).

Submission:

Labcorp Genetics (formerly Invitae), Labcorp
Classification: Uncertain significance. Last evaluated: 2022-04-07. Review status: criteria provided, single submitter. Criteria: Invitae Variant Classification Sherloc (09022015). Collection method: clinical testing. Allele origin: germline.
Comment: In summary, the available evidence is currently insufficient to determine the role of this variant in disease. Therefore, it has been classified as a Variant of Uncertain Significance. Algorithms developed to predict the effect of missense changes on protein structure and function (SIFT, PolyPhen-2, Align-GVGD) all suggest that this variant is likely to be disruptive. This variant has not been reported in the literature in individuals affected with TNNI3K-related conditions. This variant is not present in population databases (gnomAD no frequency). This sequence change replaces glutamic acid, which is acidic and polar, with valine, which is neutral and non-polar, at codon 707 of the TNNI3K protein (p.Glu707Val).

NM_015978.3(TNNI3K):c.2120A>T (p.Glu707Val)

Genes: FPGT-TNNI3K (FPGT-TNNI3K readthrough; plus strand), TNNI3K (TNNI3 interacting kinase; plus strand). Cytogenetic location: 1p31.1.
Variant type: single nucleotide variant.
Coding change: c.2120A>T on transcript NM_015978.3 (MANE Select); coding-DNA position 2120, A replaced by T.
Protein change: p.Glu707Val; replaces glutamic acid 707 with valine.
Molecular consequence: missense variant.
Genome position (GRCh38, 1-based): chr1:74,463,549, A>T. VCF-style: chr1-74463549-A-T. GRCh37 (hg19) VCF-style: chr1-74929233-A-T.
Other names: c.2423A>T, p.Glu808Val (NM_001112808.3, NM_001199327.2); short protein forms E808V, E707V.
Identifiers: ClinVar variation 2122324 (VCV002122324.4), dbSNP rs2524832185, ClinGen allele CA340787626.
Genomic context (GRCh38, chr1:74,463,549, plus strand): 5'-GCTATTCCATTCCCAAGCCCATATCATCTCTGCTGATACGAGGGTGGAACGCATGTCCTG[A>T]AGTGAGTAATTTTTATTTCCTCTTAGAAAATGTGTTATGGTCAAAATCTGTCACAAATAG-3'
Protein context (NP_057062.1, residues 697-717): LLIRGWNACP[Glu707Val]GRPEFSEVVM